The following is an entry in ClinVar:

NM_004304.5(ALK):c.741G>A (p.Trp247Ter)

Gene: ALK (ALK receptor tyrosine kinase; minus strand). Cytogenetic location: 2p23.2.
Variant type: single nucleotide variant.
Coding change: c.741G>A on transcript NM_004304.5 (MANE Select); coding-DNA position 741, G replaced by A.
Protein change: p.Trp247Ter; replaces tryptophan 247 with a stop codon.
Molecular consequence: nonsense.
Genome position (GRCh38, 1-based): chr2:29,717,624, C>T on the plus strand (G>A on the coding strand, the complement: ALK is on the minus strand). VCF-style: chr2-29717624-C-T. GRCh37 (hg19) VCF-style: chr2-29940490-C-T.
Other names: c.741G>A (NM_004304.4); short protein forms W247*.
Identifiers: ClinVar variation 2033363 (VCV002033363.5), dbSNP rs2148307275, ClinGen allele CA346587703.

ClinVar aggregate classification (germline): Conflicting classifications of pathogenicity. Review status: criteria provided, conflicting classifications (1 of 4 stars). 2 submissions from 2 submitters: Uncertain significance (1); Likely benign (1). Last evaluated 2026-07-07.

Conditions:
Neuroblastoma, susceptibility to, 3. Also called: ALK-Related Neuroblastic Tumor Susceptibility. Identifiers: Orphanet 635, MedGen C2751681, MONDO:0013083, OMIM 613014.
Hereditary cancer-predisposing syndrome. Also called: Hereditary neoplastic syndrome; Neoplastic Syndromes, Hereditary; Tumor predisposition; Hereditary Cancer Syndrome. Identifiers: Orphanet 140162, MedGen C0027672, MeSH D009386, MONDO:0015356.

Allele frequency attached by ClinVar (database versions not stated): gnomAD exomes below 0.00001.
gnomAD v4.1: 1 of 1,613,950 alleles (0.000062%); highest among the groups gnomAD compares: Non-Finnish European, 0.000085%; no homozygotes.

Submissions (2):

Ambry Genetics
Classification: Likely benign for Hereditary cancer-predisposing syndrome. Last evaluated: 2026-07-07. Review status: criteria provided, single submitter. Criteria: Ambry Variant Classification Scheme 2023. Collection method: clinical testing. Allele origin: germline.

Labcorp Genetics (formerly Invitae), Labcorp
Classification: Uncertain significance for Neuroblastoma, susceptibility to, 3. Last evaluated: 2022-09-29. Review status: criteria provided, single submitter. Criteria: Invitae Variant Classification Sherloc (09022015). Collection method: clinical testing. Allele origin: germline.
Comment: This sequence change creates a premature translational stop signal (p.Trp247*) in the ALK gene. It is expected to result in an absent or disrupted protein product. However, the current clinical and genetic evidence is not sufficient to establish whether loss-of-function variants in ALK cause disease. This variant is not present in population databases (gnomAD no frequency). This variant has not been reported in the literature in individuals affected with ALK-related conditions. In summary, the available evidence is currently insufficient to determine the role of this variant in disease. Therefore, it has been classified as a Variant of Uncertain Significance.